The following is an entry in ClinVar:

NM_003640.5(ELP1):c.993T>G (p.Tyr331Ter)

Gene: ELP1 (elongator acetyltransferase complex subunit 1; minus strand). Cytogenetic location: 9q31.3.
Variant type: single nucleotide variant.
Coding change: c.993T>G on transcript NM_003640.5 (MANE Select); coding-DNA position 993, T replaced by G.
Protein change: p.Tyr331Ter; replaces tyrosine 331 with a stop codon.
Molecular consequence: nonsense. On other transcripts: 5 prime UTR variant (1).
Genome position (GRCh38, 1-based): chr9:108,912,460, A>C on the plus strand (T>G on the coding strand, the complement: ELP1 is on the minus strand). VCF-style: chr9-108912460-A-C. GRCh37 (hg19) VCF-style: chr9-111674740-A-C.
Other names: c.651T>G, p.Tyr217Ter (NM_001318360.2); c.-55T>G (NM_001330749.2); short protein forms Y331*, Y217*.
Identifiers: ClinVar variation 4725958 (VCV004725958.1).
Genomic context (GRCh38, chr9:108,912,460, plus strand): 5'-CCACATCAGAGACACAATCTTGCTCTTCCCACAGGTGCTGAAGGATAAACTTTGCTTGAG[A>C]TACCAGTGATAGTTTCCAACAGTCCAGAGCTGAACTGCAAGGGAAAATGAAAAGAAGGCC-3'

ClinVar aggregate classification (germline): Pathogenic (1 of 4 stars; one submission).

Submission:

Labcorp Genetics (formerly Invitae), Labcorp
Classification: Pathogenic. Last evaluated: 2025-08-24. Review status: criteria provided, single submitter. Criteria: Invitae Variant Classification Sherloc (09022015). Collection method: clinical testing. Allele origin: germline.
Comment: This sequence change creates a premature translational stop signal (p.Tyr331*) in the ELP1 gene. It is expected to result in an absent or disrupted protein product. Loss-of-function variants in ELP1 are known to be pathogenic (PMID: 18303054, 24173031). This variant is not present in population databases (gnomAD no frequency). This variant has not been reported in the literature in individuals affected with ELP1-related conditions. For these reasons, this variant has been classified as Pathogenic.

Literature cited by the submitters: PubMed 18303054; PubMed 24173031.